The following is an entry in ClinVar:

ClinVar aggregate classification (germline): Uncertain significance (1 of 4 stars; one submission).

Conditions:
Primary immunodeficiency with post-measles-mumps-rubella vaccine viral infection. Also called: Immunodeficiency 44. Identifiers: Orphanet 431166, MedGen C4225260, MONDO:0014715, OMIM 616636.

Allele frequency attached by ClinVar (database versions not stated): TOPMed below 0.00001.

Submission:

Labcorp Genetics (formerly Invitae), Labcorp
Classification: Uncertain significance for Primary immunodeficiency with post-measles-mumps-rubella vaccine viral infection. Last evaluated: 2022-08-21. Review status: criteria provided, single submitter. Criteria: Invitae Variant Classification Sherloc (09022015). Collection method: clinical testing. Allele origin: germline.
Comment: Advanced modeling of protein sequence and biophysical properties (such as structural, functional, and spatial information, amino acid conservation, physicochemical variation, residue mobility, and thermodynamic stability) performed at Invitae indicates that this missense variant is not expected to disrupt STAT2 protein function. This sequence change replaces glutamine, which is neutral and polar, with leucine, which is neutral and non-polar, at codon 482 of the STAT2 protein (p.Gln482Leu). This variant is not present in population databases (gnomAD no frequency). This variant has not been reported in the literature in individuals affected with STAT2-related conditions. In summary, the available evidence is currently insufficient to determine the role of this variant in disease. Therefore, it has been classified as a Variant of Uncertain Significance.

NM_005419.4(STAT2):c.1445A>T (p.Gln482Leu)

Gene: STAT2 (signal transducer and activator of transcription 2; minus strand). Cytogenetic location: 12q13.3.
Variant type: single nucleotide variant.
Coding change: c.1445A>T on transcript NM_005419.4 (MANE Select); coding-DNA position 1445, A replaced by T.
Protein change: p.Gln482Leu; replaces glutamine 482 with leucine.
Molecular consequence: missense variant. On other transcripts: intron variant (1).
Genome position (GRCh38, 1-based): chr12:56,349,055, T>A on the plus strand (A>T on the coding strand, the complement: STAT2 is on the minus strand). VCF-style: chr12-56349055-T-A. GRCh37 (hg19) VCF-style: chr12-56742839-T-A.
Other names: c.1412A>T, p.Gln471Leu (NM_001385110.1); c.1346A>T, p.Gln449Leu (NM_001385111.1); c.1445A>T, p.Gln482Leu (NM_001385113.1); c.1424A>T, p.Gln475Leu (NM_001385114.1); c.1433A>T, p.Gln478Leu (NM_198332.2); c.1429-26A>T (NM_001385115.1); short protein forms Q449L, Q471L, Q475L, Q478L, Q482L.
Identifiers: ClinVar variation 1713317 (VCV001713317.5), dbSNP rs1878014060, ClinGen allele CA385260851.